The following is an entry in ClinVar:

NM_000142.5(FGFR3):c.393G>A (p.Ser131=)

Gene: FGFR3 (fibroblast growth factor receptor 3; plus strand). Cytogenetic location: 4p16.3.
Variant type: single nucleotide variant.
Coding change: c.393G>A on transcript NM_000142.5 (MANE Select); coding-DNA position 393, G replaced by A.
Protein change: p.Ser131=; no amino-acid change (serine 131 retained).
Molecular consequence: synonymous variant. On other transcripts: non-coding transcript variant (1).
Genome position (GRCh38, 1-based): chr4:1,799,760, G>A. VCF-style: chr4-1799760-G-A. GRCh37 (hg19) VCF-style: chr4-1801487-G-A.
Other names: c.393G>A, p.Ser131= (NM_001163213.2, NM_001354809.2, NM_001354810.2 and 1 more transcripts).
Identifiers: ClinVar variation 211004 (VCV000211004.72), dbSNP rs55662109, ClinGen allele CA206161.

ClinVar aggregate classification (germline): Benign/Likely benign. Review status: criteria provided, multiple submitters, no conflicts (2 of 4 stars). 14 submissions from 14 submitters: Benign (7); Likely benign (3). 4 of the submissions do not count toward it. Last evaluated 2026-09-01.

Conditions:
Connective tissue disorder. Also called: Connective tissue disease. Identifiers: MedGen C0009782, MONDO:0003900.

Allele frequency attached by ClinVar (database versions not stated): 1000 Genomes Project 30x 0.00031; 1000 Genomes Project 0.00040; TOPMed 0.00275; gnomAD exomes 0.00280 and 0.00368; gnomAD 0.00284 and 0.00292; ExAC 0.00288; ESP Exome Variant Server 0.00308.

Submissions (29):

CeGaT Center for Human Genetics Tuebingen
Classification: Likely benign. Last evaluated: 2026-09-01. Review status: criteria provided, single submitter. Criteria: CeGaT Center For Human Genetics Tuebingen Variant Classification Criteria Version 2. Collection method: clinical testing. Allele origin: germline. Affected: yes. Observed: 17 variant alleles.
Comment: FGFR3: BS2

Labcorp Genetics (formerly Invitae), Labcorp
Classification: Benign. Last evaluated: 2026-01-27. Review status: criteria provided, single submitter. Criteria: Invitae Variant Classification Sherloc (09022015). Collection method: clinical testing. Allele origin: germline.

Blueprint Genetics
Classification: Likely benign. Last evaluated: 2024-11-23. Review status: criteria provided, single submitter. Criteria: ACMG Guidelines, 2015. Collection method: clinical testing. Allele origin: germline.

ARUP Laboratories, Molecular Genetics and Genomics, ARUP Laboratories
Classification: Benign. Last evaluated: 2023-10-06. Review status: criteria provided, single submitter. Criteria: ARUP Molecular Germline Variant Investigation Process 2024. Collection method: clinical testing. Allele origin: germline.

Genome Diagnostics Laboratory, The Hospital for Sick Children
Classification: Benign for Connective tissue disorder. Last evaluated: 2021-02-12. Review status: criteria provided, single submitter. Criteria: ACMG Guidelines, 2015. Collection method: clinical testing. Allele origin: germline.

Genetic Services Laboratory, University of Chicago
Classification: Benign. Last evaluated: 2018-02-28. Review status: criteria provided, single submitter. Criteria: ACMG Guidelines, 2015. Collection method: clinical testing. Allele origin: germline. Affected: no.

Athena Diagnostics
Classification: Benign. Last evaluated: 2017-03-16. Review status: criteria provided, single submitter. Criteria: Athena Diagnostics Criteria. Collection method: clinical testing. Allele origin: germline.

GeneDx
Classification: Benign. Last evaluated: 2016-11-16. Review status: criteria provided, single submitter. Criteria: GeneDx Variant Classification (06012015). Collection method: clinical testing. Allele origin: germline. Affected: yes.
Comment: This variant is considered likely benign or benign based on one or more of the following criteria: it is a conservative change, it occurs at a poorly conserved position in the protein, it is predicted to be benign by multiple in silico algorithms, and/or has population frequency not consistent with disease.

Eurofins Ntd Llc (ga)
Classification: Benign. Last evaluated: 2016-04-20. Review status: criteria provided, single submitter. Criteria: EGL Classification Definitions 2015. Collection method: clinical testing. Allele origin: germline. Observed: 1 variant allele, 1 heterozygote.

Breakthrough Genomics
Classification: Likely benign. Review status: criteria provided, single submitter. Criteria: ACMG Guidelines, 2015. Collection method: not provided. Allele origin: germline. Inheritance: Autosomal dominant inheritance. Affected: yes.

Clinical Genetics DNA and cytogenetics Diagnostics Lab, Erasmus MC, Erasmus Medical Center
Classification: Likely benign. Review status: no assertion criteria provided. Collection method: clinical testing. Allele origin: germline. Affected: yes. Study: VKGL Data-share Consensus. Not counted in ClinVar's aggregate classification.

Dr. Peter K. Rogan Lab, Western University
No classification provided (evidence only). Condition: Clear cell carcinoma of kidney. Review status: no classification provided. Collection method: in vitro. Allele origin: not applicable. Functional consequence: retained intron. Not counted in ClinVar's aggregate classification.

Dr. Peter K. Rogan Lab, Western University
No classification provided (evidence only). Condition: Clear cell carcinoma of kidney. Review status: no classification provided. Collection method: in vitro. Allele origin: not applicable. Functional consequence: retained intron. Not counted in ClinVar's aggregate classification.

Dr. Peter K. Rogan Lab, Western University
No classification provided (evidence only). Condition: Clear cell carcinoma of kidney. Review status: no classification provided. Collection method: in vitro. Allele origin: not applicable. Functional consequence: retained intron. Not counted in ClinVar's aggregate classification.

Dr. Peter K. Rogan Lab, Western University
No classification provided (evidence only). Condition: Clear cell carcinoma of kidney. Review status: no classification provided. Collection method: in vitro. Allele origin: not applicable. Functional consequence: retained intron. Not counted in ClinVar's aggregate classification.

Dr. Peter K. Rogan Lab, Western University
No classification provided (evidence only). Condition: Lung cancer. Review status: no classification provided. Collection method: in vitro. Allele origin: not applicable. Functional consequence: retained intron. Not counted in ClinVar's aggregate classification.

Dr. Peter K. Rogan Lab, Western University
No classification provided (evidence only). Condition: Colon adenocarcinoma. Review status: no classification provided. Collection method: in vitro. Allele origin: not applicable. Functional consequence: retained intron. Not counted in ClinVar's aggregate classification.

Dr. Peter K. Rogan Lab, Western University
No classification provided (evidence only). Condition: Colon adenocarcinoma. Review status: no classification provided. Collection method: in vitro. Allele origin: not applicable. Functional consequence: retained intron. Not counted in ClinVar's aggregate classification.

Dr. Peter K. Rogan Lab, Western University
No classification provided (evidence only). Condition: Thyroid cancer, nonmedullary, 1. Review status: no classification provided. Collection method: in vitro. Allele origin: not applicable. Functional consequence: retained intron. Not counted in ClinVar's aggregate classification.

Dr. Peter K. Rogan Lab, Western University
No classification provided (evidence only). Condition: Thyroid cancer, nonmedullary, 1. Review status: no classification provided. Collection method: in vitro. Allele origin: not applicable. Functional consequence: retained intron. Not counted in ClinVar's aggregate classification.

Dr. Peter K. Rogan Lab, Western University
No classification provided (evidence only). Condition: Cervical cancer. Review status: no classification provided. Collection method: in vitro. Allele origin: not applicable. Functional consequence: retained intron. Not counted in ClinVar's aggregate classification.

Dr. Peter K. Rogan Lab, Western University
No classification provided (evidence only). Condition: Hepatocellular carcinoma. Review status: no classification provided. Collection method: in vitro. Allele origin: not applicable. Functional consequence: retained intron. Not counted in ClinVar's aggregate classification.

Dr. Peter K. Rogan Lab, Western University
No classification provided (evidence only). Condition: Hepatocellular carcinoma. Review status: no classification provided. Collection method: in vitro. Allele origin: not applicable. Functional consequence: retained intron. Not counted in ClinVar's aggregate classification.

Dr. Peter K. Rogan Lab, Western University
No classification provided (evidence only). Condition: Hepatocellular carcinoma. Review status: no classification provided. Collection method: in vitro. Allele origin: not applicable. Functional consequence: retained intron. Not counted in ClinVar's aggregate classification.

Dr. Peter K. Rogan Lab, Western University
No classification provided (evidence only). Condition: Cholangiocarcinoma. Review status: no classification provided. Collection method: in vitro. Allele origin: not applicable. Functional consequence: retained intron. Not counted in ClinVar's aggregate classification.

Dr. Peter K. Rogan Lab, Western University
No classification provided (evidence only). Condition: Adrenocortical carcinoma, hereditary. Review status: no classification provided. Collection method: in vitro. Allele origin: not applicable. Functional consequence: retained intron. Not counted in ClinVar's aggregate classification.

Genome Diagnostics Laboratory, Amsterdam University Medical Center
Classification: Likely benign. Review status: no assertion criteria provided. Collection method: clinical testing. Allele origin: germline. Affected: yes. Study: VKGL Data-share Consensus. Not counted in ClinVar's aggregate classification.

Joint Genome Diagnostic Labs from Nijmegen and Maastricht, Radboudumc and MUMC+
Classification: Likely benign. Review status: no assertion criteria provided. Collection method: clinical testing. Allele origin: germline. Affected: yes. Study: VKGL Data-share Consensus. Not counted in ClinVar's aggregate classification.

Laboratory of Diagnostic Genome Analysis, Leiden University Medical Center (LUMC)
Classification: Likely benign. Review status: no assertion criteria provided. Collection method: clinical testing. Allele origin: germline. Affected: yes. Study: VKGL Data-share Consensus. Not counted in ClinVar's aggregate classification.